The following is an entry in ClinVar:

NM_001112741.2(KCNC1):c.1204G>A (p.Gly402Ser)

Gene: KCNC1 (potassium voltage-gated channel subfamily C member 1; plus strand). Cytogenetic location: 11p15.1.
Variant type: single nucleotide variant.
Coding change: c.1204G>A on transcript NM_001112741.2 (MANE Select); coding-DNA position 1204, G replaced by A.
Protein change: p.Gly402Ser; replaces glycine 402 with serine.
Molecular consequence: missense variant.
Genome position (GRCh38, 1-based): chr11:17,772,298, G>A. VCF-style: chr11-17772298-G-A. GRCh37 (hg19) VCF-style: chr11-17793845-G-A.
Other names: c.1204G>A, p.Gly402Ser (NM_004976.4); short protein forms G402S.
Identifiers: ClinVar variation 2603772 (VCV002603772.5), dbSNP rs2497800940, ClinGen allele CA379808624.

ClinVar aggregate classification (germline): Conflicting classifications of pathogenicity. Review status: criteria provided, conflicting classifications (1 of 4 stars). 2 submissions from 2 submitters: Likely pathogenic (1); Uncertain significance (1). Last evaluated 2023-07-17.

Conditions:
Progressive myoclonic epilepsy type 7. Identifiers: Orphanet 435438, MedGen C4015420, MONDO:0014521, OMIM 616187.
Inborn genetic diseases. Identifiers: MedGen C0950123, MeSH D030342.

Submissions (2):

Ambry Genetics
Classification: Likely pathogenic for Inborn genetic diseases. Last evaluated: 2023-07-17. Review status: criteria provided, single submitter. Criteria: Ambry Variant Classification Scheme 2023. Collection method: clinical testing. Allele origin: germline.
Comment: The c.1204G>A (p.G402S) alteration is located in exon 2 (coding exon 2) of the KCNC1 gene. This alteration results from a G to A substitution at nucleotide position 1204, causing the glycine (G) at amino acid position 402 to be replaced by a serine (S)._x000D_ _x000D_ Based on the available evidence, the KCNC1 c.1204G>A (p.G402S) alteration is classified as likely pathogenic for KCNC1-related neurodevelopmental disorder; however, its clinical significance for KCNC1-related progressive myoclonus epilepsy is uncertain. This variant was not reported in population-based cohorts in the Genome Aggregation Database (gnomAD). This amino acid position is highly conserved in available vertebrate species. This alteration is predicted to be deleterious by in silico analysis. Based on the available evidence, this alteration is classified as likely pathogenic.

Labcorp Genetics (formerly Invitae), Labcorp
Classification: Uncertain significance for Progressive myoclonic epilepsy type 7. Last evaluated: 2022-11-30. Review status: criteria provided, single submitter. Criteria: Invitae Variant Classification Sherloc (09022015). Collection method: clinical testing. Allele origin: germline.
Comment: Advanced modeling of protein sequence and biophysical properties (such as structural, functional, and spatial information, amino acid conservation, physicochemical variation, residue mobility, and thermodynamic stability) performed at Invitae indicates that this missense variant is expected to disrupt KCNC1 protein function. This variant has not been reported in the literature in individuals affected with KCNC1-related conditions. This variant is not present in population databases (gnomAD no frequency). This sequence change replaces glycine, which is neutral and non-polar, with serine, which is neutral and polar, at codon 402 of the KCNC1 protein (p.Gly402Ser). In summary, the available evidence is currently insufficient to determine the role of this variant in disease. Therefore, it has been classified as a Variant of Uncertain Significance.